The following is an entry in ClinVar:

ClinVar aggregate classification (germline): Uncertain significance (1 of 4 stars; one submission).

Submission:

GeneDx
Classification: Uncertain significance. Last evaluated: 2024-03-26. Review status: criteria provided, single submitter. Criteria: GeneDx Variant Classification Process June 2021. Collection method: clinical testing. Allele origin: germline. Affected: yes.
Comment: Not observed at significant frequency in large population cohorts (gnomAD); In silico analysis supports that this missense variant does not alter protein structure/function; Has not been previously published as pathogenic or benign to our knowledge

NM_001807.6(CEL):c.11T>C (p.Leu4Pro)

Gene: CEL (carboxyl ester lipase; plus strand). Cytogenetic location: 9q34.13.
Variant type: single nucleotide variant.
Coding change: c.11T>C on transcript NM_001807.6 (MANE Select); coding-DNA position 11, T replaced by C.
Protein change: p.Leu4Pro; replaces leucine 4 with proline.
Molecular consequence: missense variant.
Genome position (GRCh38, 1-based): chr9:133,062,013, T>C. VCF-style: chr9-133062013-T-C. GRCh37 (hg19) VCF-style: chr9-135937400-T-C.
Other names: short protein forms L4P.
Identifiers: ClinVar variation 3371133 (VCV003371133.1).
Genomic context (GRCh38, chr9:133,062,013, plus strand): 5'-ATAAATACCCGAGGCCCAGGGGGAGGGCCACCCAGAGGCTGATGCTCACCATGGGGCGCC[T>C]GCAACTGGTTGTGTTGGGCCTCACCTGCTGCTGGGCAGTGGCGAGTGCCGCGAAGGTAAG-3'
Protein context (NP_001798.3, residues 1-14): MGR[Leu4Pro]QLVVLGLTCC